The following is an entry in ClinVar:

ClinVar aggregate classification (germline): Conflicting classifications of pathogenicity. Review status: criteria provided, conflicting classifications (1 of 4 stars). 2 submissions from 2 submitters: Uncertain significance (1); Likely benign (1). Last evaluated 2024-12-28.

Conditions:
Inborn genetic diseases. Identifiers: MedGen C0950123, MeSH D030342.

Allele frequency attached by ClinVar (database versions not stated): ExAC 0.00001; gnomAD 0.00001; gnomAD exomes 0.00001; TOPMed 0.00001; ESP Exome Variant Server 0.00008.
gnomAD v4.1: 9 of 1,614,116 alleles (0.00056%); highest among the groups gnomAD compares: Middle Eastern, 0.033%; no homozygotes.

Submissions (2):

Ambry Genetics
Classification: Uncertain significance for Inborn genetic diseases. Last evaluated: 2024-12-28. Review status: criteria provided, single submitter. Criteria: Ambry Variant Classification Scheme 2023. Collection method: clinical testing. Allele origin: germline.
Comment: The c.1255-4T>G intronic alteration consists of a T to G substitution 4 nucleotides before coding exon 10 in the CAD gene. Based on insufficient or conflicting evidence, the clinical significance of this alteration remains unclear.

Labcorp Genetics (formerly Invitae), Labcorp
Classification: Likely benign. Last evaluated: 2023-12-01. Review status: criteria provided, single submitter. Criteria: Invitae Variant Classification Sherloc (09022015). Collection method: clinical testing. Allele origin: germline.

NM_004341.5(CAD):c.1255-4T>G

Gene: CAD (carbamoyl-phosphate synthetase 2, aspartate transcarbamylase, and dihydroorotase; plus strand). Cytogenetic location: 2p23.3.
Variant type: single nucleotide variant.
Coding change: c.1255-4T>G on transcript NM_004341.5 (MANE Select); 4 bases into the intron before coding-DNA position 1255, T replaced by G.
Molecular consequence: intron variant.
Genome position (GRCh38, 1-based): chr2:27,224,741, T>G. VCF-style: chr2-27224741-T-G. GRCh37 (hg19) VCF-style: chr2-27447609-T-G.
Other names: c.1255-4T>G (NM_004341.3, NM_001306079.2).
Identifiers: ClinVar variation 2793809 (VCV002793809.4), dbSNP rs369864220, ClinGen allele CA1572665.